The following is an entry in ClinVar:

ClinVar aggregate classification (germline): Pathogenic/Likely pathogenic. Review status: criteria provided, multiple submitters, no conflicts (2 of 4 stars). 2 submissions from 2 submitters: Pathogenic (1); Likely pathogenic (1). Last evaluated 2025-11-10.

Conditions:
Autosomal recessive Alport syndrome (ATS2). Also called: COL4A3-Related Nephropathy; COL4A4 Alport Syndrome and Thin Basement Membrane Nephropathy; ALPORT SYNDROME 2, AUTOSOMAL RECESSIVE; Alport syndrome type 2. Identifiers: Orphanet 63, Orphanet 88919, MedGen C4746745, MONDO:0008762, OMIM 203780.

Submissions (2):

Women's Health and Genetics/Laboratory Corporation of America, LabCorp
Classification: Pathogenic for Autosomal recessive Alport syndrome. Last evaluated: 2025-11-10. Review status: criteria provided, single submitter. Criteria: LabCorp Variant Classification Summary - May 2015. Collection method: clinical testing. Allele origin: germline.
Comment: Variant summary: COL4A3 c.3749delC (p.Pro1250GlnfsX14) results in a premature termination codon, predicted to cause absence of the protein due to nonsense mediated decay, which is a commonly known mechanism for disease. The variant was absent in 161862 control chromosomes. To our knowledge, no occurrence of c.3749delC in individuals affected with COL4A3-related conditions and no experimental evidence demonstrating its impact on protein function have been reported. ClinVar contains an entry for this variant (Variation ID: 1724875). Based on the evidence outlined above, the variant was classified as pathogenic.

Myriad Genetics, Inc.
Classification: Likely pathogenic for Autosomal recessive Alport syndrome. Last evaluated: 2021-11-23. Review status: criteria provided, single submitter. Criteria: Myriad Women's Health Autosomal Recessive and X-Linked Classification Criteria (2021). Collection method: clinical testing. Allele origin: unknown.
Comment: NM_000091.4(COL4A3):c.3749delC(P1250Qfs*14) is expected to be pathogenic in the context of COL4A3-related Alport syndrome. This variant is predicted to lead to an abnormal or absent protein product due to the creation of a premature termination codon in COL4A3, a gene where loss-of-function variants are known to be pathogenic. Please note: this variant was assessed in the context of healthy population screening.

NM_000091.5(COL4A3):c.3749del (p.Pro1250fs)

Genes: MFF-DT (MFF divergent transcript; minus strand), COL4A3 (collagen type IV alpha 3 chain; plus strand). Cytogenetic location: 2q36.3.
Variant type: Deletion.
Coding change: c.3749del on transcript NM_000091.5 (MANE Select); coding-DNA position 3749, one base deleted (C; older notation c.3749delC).
Protein change: p.Pro1250fs; shifts the reading frame from proline 1250.
Molecular consequence: frameshift variant.
Genome position (GRCh38, 1-based): chr2:227,297,857, C deleted; the last of 3 consecutive C bases (chr2:227,297,855-227,297,857); deleting any one gives the same sequence. VCF-style (leftmost placement, unchanged base first): chr2-227297854-GC-G. GRCh37 (hg19) VCF-style: chr2-228162570-GC-G.
Other names: c.3749delC (NM_000091.5); short protein forms P1250fs.
Identifiers: ClinVar variation 1724875 (VCV001724875.3), dbSNP rs1335923152, ClinGen allele CA765704986.